The following is an entry in ClinVar:

NM_000388.4(CASR):c.1377+5G>T

Gene: CASR (calcium sensing receptor; plus strand). Cytogenetic location: 3q21.1.
Variant type: single nucleotide variant.
Coding change: c.1377+5G>T on transcript NM_000388.4 (MANE Select); 5 bases into the intron after coding-DNA position 1377, G replaced by T.
Molecular consequence: intron variant.
Genome position (GRCh38, 1-based): chr3:122,262,417, G>T. VCF-style: chr3-122262417-G-T. GRCh37 (hg19) VCF-style: chr3-121981264-G-T.
Other names: c.1377+5G>T (NM_001178065.2).
Identifiers: ClinVar variation 937394 (VCV000937394.8), dbSNP rs2074639584, ClinGen allele CA1052938175.

ClinVar aggregate classification (germline): Uncertain significance (1 of 4 stars; one submission).

Conditions:
Autosomal dominant hypocalcemia 1 (HYPOC1). Also called: HYPOCALCEMIA, FAMILIAL. Identifiers: MedGen C3715128, MONDO:0011013, OMIM 601198.
Familial hypocalciuric hypercalcemia (FHH). Also called: Familial benign hypercalcemia. Identifiers: Orphanet 405, MedGen C1809471, MONDO:0018458.

Allele frequency attached by ClinVar (database versions not stated): gnomAD 0.00001.
gnomAD v4.1: 5 of 1,609,694 alleles (0.00031%); highest among the groups gnomAD compares: Non-Finnish European, 0.00034%; no homozygotes.

Submission:

Labcorp Genetics (formerly Invitae), Labcorp
Classification: Uncertain significance for Familial hypocalciuric hypercalcemia; Autosomal dominant hypocalcemia 1. Last evaluated: 2025-04-02. Review status: criteria provided, single submitter. Criteria: Invitae Variant Classification Sherloc (09022015). Collection method: clinical testing. Allele origin: germline.
Comment: This sequence change falls in intron 4 of the CASR gene. It does not directly change the encoded amino acid sequence of the CASR protein. It affects a nucleotide within the consensus splice site. This variant is not present in population databases (gnomAD no frequency). This variant has not been reported in the literature in individuals affected with CASR-related conditions. ClinVar contains an entry for this variant (Variation ID: 937394). Variants that disrupt the consensus splice site are a relatively common cause of aberrant splicing (PMID: 17576681, 9536098). Algorithms developed to predict the effect of sequence changes on RNA splicing suggest that this variant may disrupt the consensus splice site. In summary, the available evidence is currently insufficient to determine the role of this variant in disease. Therefore, it has been classified as a Variant of Uncertain Significance.

Literature cited by the submitters: PubMed 17576681; PubMed 9536098.